The following is an entry in ClinVar:

NM_002691.4(POLD1):c.2026A>T (p.Lys676Ter)

Gene: POLD1 (DNA polymerase delta 1, catalytic subunit; plus strand). Cytogenetic location: 19q13.33.
Variant type: single nucleotide variant.
Coding change: c.2026A>T on transcript NM_002691.4 (MANE Select); coding-DNA position 2026, A replaced by T.
Protein change: p.Lys676Ter; replaces lysine 676 with a stop codon.
Molecular consequence: nonsense. On other transcripts: non-coding transcript variant (1).
Genome position (GRCh38, 1-based): chr19:50,409,538, A>T. VCF-style: chr19-50409538-A-T. GRCh37 (hg19) VCF-style: chr19-50912795-A-T.
Other names: c.2026A>T, p.Lys676Ter (NM_001256849.1); c.2104A>T, p.Lys702Ter (NM_001308632.1); short protein forms K676*, K702*.
Identifiers: ClinVar variation 1061501 (VCV001061501.9), dbSNP rs2122385068, ClinGen allele CA406982474.

ClinVar aggregate classification (germline): Uncertain significance (1 of 4 stars; one submission).

Conditions:
POLD1-related polyposis and colorectal cancer syndrome (CRCS10). Also called: Colorectal cancer, susceptibility to, 10; Colorectal cancer 10; COLORECTAL CANCER, SUSCEPTIBILITY TO, ON CHROMOSOME 19q. Identifiers: Orphanet 220460, MedGen C2675481, MONDO:0012953, OMIM 612591.

Submission:

Labcorp Genetics (formerly Invitae), Labcorp
Classification: Uncertain significance for POLD1-related polyposis and colorectal cancer syndrome. Last evaluated: 2020-03-14. Review status: criteria provided, single submitter. Criteria: Invitae Variant Classification Sherloc (09022015). Collection method: clinical testing. Allele origin: germline.
Comment: Missense variants that disrupt the 3'-5' exonuclease (proof-reading) activity of the POLD1 protein are associated with an increased risk for colonic adenomatous polyps and colon cancer (PMID: 23263490, 23447401). However, loss-of-function variants, which result in an absent or severely disrupted POLD1 protein, and missense variants outside the exonuclease domain, are unlikely to be associated with polyposis or colon cancer. Without further clinical and genetic evidence, this variant has been classified as a Variant of Uncertain Significance. This variant has not been reported in the literature in individuals with POLD1-related conditions. This sequence change creates a premature translational stop signal (p.Lys676*) in the POLD1 gene. It is expected to result in an absent or disrupted protein product. This variant is not present in population databases (ExAC no frequency).

Literature cited by the submitters: PubMed 23263490; PubMed 23447401.